The following is an entry in ClinVar:

NM_006914.4(RORB):c.731A>G (p.Tyr244Cys)

Gene: RORB (RAR related orphan receptor B; plus strand). Cytogenetic location: 9q21.13.
Variant type: single nucleotide variant.
Coding change: c.731A>G on transcript NM_006914.4 (MANE Select); coding-DNA position 731, A replaced by G.
Protein change: p.Tyr244Cys; replaces tyrosine 244 with cysteine.
Molecular consequence: missense variant.
Genome position (GRCh38, 1-based): chr9:74,660,710, A>G. VCF-style: chr9-74660710-A-G. GRCh37 (hg19) VCF-style: chr9-77275626-A-G.
Other names: c.764A>G, p.Tyr255Cys (NM_001365023.1); short protein forms Y244C, Y255C.
Identifiers: ClinVar variation 1467393 (VCV001467393.8), dbSNP rs1824167430, ClinGen allele CA373770563.

ClinVar aggregate classification (germline): Uncertain significance (1 of 4 stars; one submission).

Allele frequency attached by ClinVar (database versions not stated): TOPMed below 0.00001.

Submission:

Labcorp Genetics (formerly Invitae), Labcorp
Classification: Uncertain significance. Last evaluated: 2022-02-04. Review status: criteria provided, single submitter. Criteria: Invitae Variant Classification Sherloc (09022015). Collection method: clinical testing. Allele origin: germline.
Comment: This sequence change replaces tyrosine, which is neutral and polar, with cysteine, which is neutral and slightly polar, at codon 244 of the RORB protein (p.Tyr244Cys). This variant is not present in population databases (gnomAD no frequency). This variant has not been reported in the literature in individuals affected with RORB-related conditions. Algorithms developed to predict the effect of missense changes on protein structure and function are either unavailable or do not agree on the potential impact of this missense change (SIFT: "Deleterious"; PolyPhen-2: "Possibly Damaging"; Align-GVGD: "Class C0"). In summary, the available evidence is currently insufficient to determine the role of this variant in disease. Therefore, it has been classified as a Variant of Uncertain Significance.